The following is an entry in ClinVar:

ClinVar aggregate classification (germline): Likely benign (1 of 4 stars; one submission).

Conditions:
FYB1-related disorder. Also called: FYB1-related condition.

gnomAD v4.1: 19 of 1,241,720 alleles (0.0015%); highest among the groups gnomAD compares: Non-Finnish European, 0.0019%; no homozygotes.

Submission:

PreventionGenetics, part of Exact Sciences
Classification: Likely benign for FYB1-related condition. Last evaluated: 2025-09-19. Review status: criteria provided, single submitter. Criteria: ACMG Guidelines, 2015. Collection method: clinical testing. Allele origin: germline.
Comment: This variant is classified as likely benign based on ACMG/AMP sequence variant interpretation guidelines (Richards et al. 2015 PMID: 25741868, with internal and published modifications).

NM_001465.6(FYB1):c.2239-4T>C

Gene: FYB1 (FYN binding protein 1; minus strand). Cytogenetic location: 5p13.1.
Variant type: single nucleotide variant.
Coding change: c.2239-4T>C on transcript NM_001465.6 (MANE Select); 4 bases into the intron before coding-DNA position 2239, T replaced by C.
Molecular consequence: intron variant.
Genome position (GRCh38, 1-based): chr5:39,119,040, A>G on the plus strand (T>C on the coding strand, the complement: FYB1 is on the minus strand). VCF-style: chr5-39119040-A-G. GRCh37 (hg19) VCF-style: chr5-39119142-A-G.
Other names: c.2269-4T>C (NM_001243093.2); c.2101-4T>C (NM_199335.5); c.2131-4T>C (NM_018594.2); c.2239-4T>C (NM_001349333.2).
Identifiers: ClinVar variation 4980809 (VCV004980809.1).